The following is an entry in ClinVar:

NM_152281.3(GORAB):c.420-2A>T

Gene: GORAB (golgin, RAB6 interacting; plus strand). Cytogenetic location: 1q24.2.
Variant type: single nucleotide variant.
Coding change: c.420-2A>T on transcript NM_152281.3 (MANE Select); the canonical splice acceptor site of the intron before coding-DNA position 420, A replaced by T.
Molecular consequence: splice acceptor variant.
Genome position (GRCh38, 1-based): chr1:170,542,489, A>T. VCF-style: chr1-170542489-A-T. GRCh37 (hg19) VCF-style: chr1-170511630-A-T.
Other names: c.-46-2A>T (NM_001320252.2); c.369-2A>T (NM_001410894.1); c.420-2A>T (NM_001146039.2).
Identifiers: ClinVar variation 597291 (VCV000597291.7), dbSNP rs1558006532, ClinGen allele CA343163491.

ClinVar aggregate classification (germline): Pathogenic/Likely pathogenic. Review status: criteria provided, multiple submitters, no conflicts (2 of 4 stars). 2 submissions from 2 submitters: Pathogenic (1); Likely pathogenic (1). Last evaluated 2024-04-12.

Submissions (2):

Labcorp Genetics (formerly Invitae), Labcorp
Classification: Likely pathogenic. Last evaluated: 2024-04-12. Review status: criteria provided, single submitter. Criteria: Invitae Variant Classification Sherloc (09022015). Collection method: clinical testing. Allele origin: germline.
Comment: This sequence change affects an acceptor splice site in intron 2 of the GORAB gene. It is expected to disrupt RNA splicing. Variants that disrupt the donor or acceptor splice site typically lead to a loss of protein function (PMID: 16199547), and loss-of-function variants in GORAB are known to be pathogenic (PMID: 18997784, 19681135). This variant is not present in population databases (gnomAD no frequency). This variant has not been reported in the literature in individuals affected with GORAB-related conditions. ClinVar contains an entry for this variant (Variation ID: 597291). Algorithms developed to predict the effect of sequence changes on RNA splicing suggest that this variant may disrupt the consensus splice site. In summary, the currently available evidence indicates that the variant is pathogenic, but additional data are needed to prove that conclusively. Therefore, this variant has been classified as Likely Pathogenic.

Eurofins Ntd Llc (ga)
Classification: Pathogenic. Last evaluated: 2018-06-01. Review status: criteria provided, single submitter. Criteria: EGL ClinVar v180209 classification definitions. Collection method: clinical testing. Allele origin: germline. Observed: 1 variant allele, 1 heterozygote.

Literature cited by the submitters: PubMed 16199547 (cited by Labcorp Genetics (formerly Invitae), Labcorp); PubMed 18997784 (cited by Labcorp Genetics (formerly Invitae), Labcorp); PubMed 19681135 (cited by Labcorp Genetics (formerly Invitae), Labcorp).